The following is an entry in ClinVar:

NM_000059.4(BRCA2):c.5495C>G (p.Ser1832Cys)

Gene: BRCA2 (BRCA2 DNA repair associated; plus strand). Cytogenetic location: 13q13.1.
Variant type: single nucleotide variant.
Coding change: c.5495C>G on transcript NM_000059.4 (MANE Select); coding-DNA position 5495, C replaced by G.
Protein change: p.Ser1832Cys; replaces serine 1832 with cysteine.
Molecular consequence: missense variant.
Genome position (GRCh38, 1-based): chr13:32,339,850, C>G. VCF-style: chr13-32339850-C-G. GRCh37 (hg19) VCF-style: chr13-32913987-C-G.
Other names: 5723C>G; short protein forms S1832C.
Identifiers: ClinVar variation 37969 (VCV000037969.28), dbSNP rs138489917, ClinGen allele CA022446.

ClinVar aggregate classification (germline): Conflicting classifications of pathogenicity. Review status: criteria provided, conflicting classifications (1 of 4 stars). 11 submissions from 11 submitters: Uncertain significance (6); Likely benign (1). 4 of the submissions do not count toward it. Last evaluated 2026-03-09.

Conditions:
Hereditary cancer-predisposing syndrome. Also called: Hereditary Cancer Syndrome; Tumor predisposition; Hereditary neoplastic syndrome; Neoplastic Syndromes, Hereditary. Identifiers: Orphanet 140162, MedGen C0027672, MeSH D009386, MONDO:0015356.
Hereditary breast ovarian cancer syndrome. Also called: Hereditary breast and/or ovarian cancer syndrome; Hereditary breast and ovarian cancer syndrome; Hereditary breast and ovarian cancer syndrome (HBOC); Hereditary breast and ovarian cancer; Breast and ovarian cancer; BRCA1- and BRCA2-Associated Hereditary Breast and Ovarian Cancer. Identifiers: Orphanet 145, MedGen C0677776, MeSH D061325, MONDO:0003582. Disease mechanism: loss of function.
Breast-ovarian cancer, familial, susceptibility to, 2 (BROVCA2). Also called: BRCA2 Hereditary Breast and Ovarian Cancer. Identifiers: Orphanet 145, MedGen C2675520, MONDO:0012933, OMIM 612555. Disease mechanism: loss of function.

Allele frequency attached by ClinVar (database versions not stated): ESP Exome Variant Server 0.00008; ExAC 0.00002; TOPMed 0.00002; 1000 Genomes Project 0.00020; 1000 Genomes Project 30x 0.00016.
gnomAD v4.1: 7 of 1,613,412 alleles (0.00043%); highest among the groups gnomAD compares: African/African-American, 0.0053%; no homozygotes.

Submissions (12):

Institute for Biomarker Research, Medical Diagnostic Laboratories, L.L.C.
Classification: Uncertain significance for Hereditary breast ovarian cancer syndrome. Last evaluated: 2026-03-09. Review status: criteria provided, single submitter. Criteria: ACMG Guidelines, 2015. Collection method: clinical testing. Allele origin: germline.
Comment: The missense variant NM_000059.3(BRCA2):c.5495C>G (p.Ser1832Cys) is not currently classified as pathogenic in clinical sources (Accession: VCV000037969.27). The variant is observed in one or more well-documented healthy adults. There is a moderate physicochemical difference between serine and cysteine. For these reasons, this variant has been classified as Uncertain Significance.

Labcorp Genetics (formerly Invitae), Labcorp
Classification: Uncertain significance for Hereditary breast ovarian cancer syndrome. Last evaluated: 2025-08-07. Review status: criteria provided, single submitter. Criteria: Invitae Variant Classification Sherloc (09022015). Collection method: clinical testing. Allele origin: germline.
Comment: This sequence change replaces serine, which is neutral and polar, with cysteine, which is neutral and slightly polar, at codon 1832 of the BRCA2 protein (p.Ser1832Cys). This variant is present in population databases (rs138489917, gnomAD 0.02%). This missense change has been observed in individual(s) with breast and/or ovarian cancer (PMID: 29470806). ClinVar contains an entry for this variant (Variation ID: 37969). Invitae Evidence Modeling of protein sequence and biophysical properties (such as structural, functional, and spatial information, amino acid conservation, physicochemical variation, residue mobility, and thermodynamic stability) indicates that this missense variant is not expected to disrupt BRCA2 protein function with a negative predictive value of 95%. In summary, the available evidence is currently insufficient to determine the role of this variant in disease. Therefore, it has been classified as a Variant of Uncertain Significance.

Color Diagnostics, LLC DBA Color Health
Classification: Uncertain significance for Hereditary cancer-predisposing syndrome. Last evaluated: 2025-07-15. Review status: criteria provided, single submitter. Criteria: ACMG Guidelines, 2015. Collection method: clinical testing. Allele origin: germline.
Comment: This missense variant replaces serine with cysteine at codon 1832 of the BRCA2 protein. Computational prediction suggests that this variant may not impact protein structure and function. To our knowledge, functional studies have not been reported for this variant. This variant has been reported in an individual affected with breast and/or ovarian cancer (PMID: 29470806). This variant has also been identified in 4/250668 chromosomes in the general population by the Genome Aggregation Database (gnomAD). The available evidence is insufficient to determine the role of this variant in disease conclusively. Therefore, this variant is classified as a Variant of Uncertain Significance.

Ambry Genetics
Classification: Uncertain significance for Hereditary cancer-predisposing syndrome. Last evaluated: 2025-04-01. Review status: criteria provided, single submitter. Criteria: Ambry Variant Classification Scheme 2023. Collection method: clinical testing. Allele origin: germline.
Comment: The p.S1832C variant (also known as c.5495C>G), located in coding exon 10 of the BRCA2 gene, results from a C to G substitution at nucleotide position 5495. The serine at codon 1832 is replaced by cysteine, an amino acid with dissimilar properties. This variant was observed in a study of 1,010 unrelated Indian patients with breast and/or ovarian cancer (Singh J et al. Breast Cancer Res Treat, 2018 Jul;170:189-196). This variant was identified in a cohort of 3,579 African males diagnosed with prostate cancer who underwent multi-gene panel testing of 19 DNA repair and cancer predisposition genes (Matejcic M et al. JCO Precis Oncol, 2020 Jan;4:32-43). This amino acid position is not well conserved in available vertebrate species. In addition, the in silico prediction for this alteration is inconclusive. Based on the available evidence, the clinical significance of this variant remains unclear.

Women's Health and Genetics/Laboratory Corporation of America, LabCorp
Classification: Uncertain significance. Last evaluated: 2024-08-05. Review status: criteria provided, single submitter. Criteria: LabCorp Variant Classification Summary - May 2015. Collection method: clinical testing. Allele origin: germline.
Comment: Variant summary: BRCA2 c.5495C>G (p.Ser1832Cys) results in a non-conservative amino acid change in the encoded protein sequence. Three of five in-silico tools predict a benign effect of the variant on protein function. The variant allele was found at a frequency of 1.6e-05 in 250668 control chromosomes. The available data on variant occurrences in the general population are insufficient to allow any conclusion about variant significance. c.5495C>G has been reported in the literature in sequencing studies of healthy individuals (Bodian_2014) and in individuals affected with Hereditary Breast and/or Ovarian Cancer (Singh_2018). These report(s) do not provide unequivocal conclusions about association of the variant with Hereditary Breast And Ovarian Cancer Syndrome. To our knowledge, no experimental evidence demonstrating an impact on protein function has been reported. The following publications have been ascertained in the context of this evaluation (PMID: 24728327, 29470806). ClinVar contains an entry for this variant (Variation ID: 37969). Based on the evidence outlined above, the variant was classified as uncertain significance.

University of Washington Department of Laboratory Medicine, University of Washington
Classification: Likely benign for Hereditary cancer-predisposing syndrome. Last evaluated: 2023-03-23. Review status: criteria provided, single submitter. Criteria: Dines et al. (Genet Med. 2020). Collection method: curation. Allele origin: germline.
Comment: Missense variant in a coldspot region where missense variants are very unlikely to be pathogenic (PMID:31911673).

BRCA2 exon 11 coldspot. Reclassification based on statistical prior probability.

Quest Diagnostics Nichols Institute San Juan Capistrano
Classification: Uncertain significance. Last evaluated: 2019-11-30. Review status: criteria provided, single submitter. Criteria: Quest Diagnostics criteria. Collection method: clinical testing. Allele origin: unknown.

Counsyl
Classification: Uncertain significance for Breast-ovarian cancer, familial, susceptibility to, 2. Last evaluated: 2017-06-29. Review status: no assertion criteria provided. Collection method: clinical testing. Allele origin: unknown. Not counted in ClinVar's aggregate classification.

ITMI
No classification provided. Condition: AllHighlyPenetrant. Last evaluated: 2013-09-19. Review status: no classification provided. Collection method: reference population. Allele origin: germline. Not counted in ClinVar's aggregate classification.
Comment: Please see associated publication for description of ethnicities

Sharing Clinical Reports Project (SCRP)
Classification: Uncertain significance for Breast-ovarian cancer, familial 2. Last evaluated: 2011-10-04. Review status: no assertion criteria provided. Collection method: clinical testing. Allele origin: germline. Not counted in ClinVar's aggregate classification.

Department of Pathology and Laboratory Medicine, Sinai Health System
Classification: Uncertain significance for Breast-ovarian cancer, familial, susceptibility to, 2. Review status: no assertion criteria provided. Collection method: clinical testing. Allele origin: unknown. Affected: yes. Study: The Canadian Open Genetics Repository (COGR). Not counted in ClinVar's aggregate classification.
Comment: The BRCA2 p.Ser1832Cys variant was not identified in the literature nor was it identified in the LOVD 3.0, or UMD-LSDB, databases. The variant was identified in dbSNP (ID: rs138489917) as "With Uncertain significance allele", ClinVar (classified as uncertain significance by Invitae, Ambry Genetics and two other submitters). The variant was identified in control databases in 3 of 245674 chromosomes at a frequency of 0.00001 (Genome Aggregation Database Feb 27, 2017). The variant was observed in the African population in 3 of 15286 chromosomes (freq: 0.0002), while the variant was not observed in the Other, Latino, European, Ashkenazi Jewish, East Asian, Finnish, and South Asian populations. The p.Ser1832 residue is not conserved in mammals and computational analyses (PolyPhen-2, SIFT, AlignGVGD, BLOSUM, MutationTaster) provide inconsistent predictions regarding the impact to the protein; this information is not very predictive of pathogenicity. The variant occurs outside of the splicing consensus sequence and 1 of 4 in silico or computational prediction software programs (SpliceSiteFinder, MaxEntScan, NNSPLICE, GeneSplicer) predict a greater than 10% difference in splicing; this is not very predictive of pathogenicity. In summary, based on the above information the clinical significance of this variant cannot be determined with certainty at this time. This variant is classified as a variant of uncertain significance.

Dr. Peter K. Rogan Lab, Western University
No classification provided (evidence only). Condition: Familial cancer of breast. Review status: no classification provided. Collection method: in vitro. Allele origin: not applicable. Functional consequence: retained intron. Not counted in ClinVar's aggregate classification.

Literature cited by the submitters: PubMed 29470806 (cited by 5 submitters); PubMed 32832836 (cited by Ambry Genetics); PubMed 24728327 (cited by 3 submitters).